The following is an entry in ClinVar:

NM_152641.4(ARID2):c.3738GGA[2] (p.Glu1249del)

Gene: ARID2 (AT-rich interaction domain 2; plus strand). Cytogenetic location: 12q12.
Variant type: Microsatellite.
Coding change: c.3738GGA[2] on transcript NM_152641.4 (MANE Select); two copies in a row of the 3-base unit GGA starting at c.3738; the reference has three copies in a row; one copy, 3 bases deleted.
Protein change: p.Glu1249del; deletes glutamic acid 1249.
Molecular consequence: inframe deletion.
Genome position (GRCh38, 1-based): chr12:45,851,867-45,851,869, GGA deleted; deleting any 3 consecutive bases within chr12:45,851,860-45,851,869 gives the same sequence; the position shown is the placement nearest the transcript's 3' end. VCF-style (leftmost placement, unchanged base first): chr12-45851859-AAGG-A. GRCh37 (hg19) VCF-style: chr12-46245642-AAGG-A.
Other names: c.3738GGA[2], p.Glu1249del (NM_001347839.2); short protein forms E1249del.
Identifiers: ClinVar variation 3236074 (VCV003236074.1), dbSNP rs1943557389, ClinGen allele CA2033475369.

ClinVar aggregate classification (germline): Uncertain significance (1 of 4 stars; one submission).

Conditions:
Coffin-Siris syndrome 6. Identifiers: MedGen C4540499, MONDO:0033492, OMIM 617808.

Submission:

MVZ Medizinische Genetik Mainz
Classification: Uncertain significance for Coffin-Siris syndrome 6. Last evaluated: 2024-01-04. Review status: criteria provided, single submitter. Criteria: UK Practice Guidelines For Variant Classification V4 01 2020. Collection method: clinical testing. Allele origin: germline. Inheritance: Autosomal dominant inheritance. Affected: yes. Observed: 1 variant allele.
Comment: ACMG Criteria: PM4,PM2_SUP, PP3